The following is an entry in ClinVar:

ClinVar aggregate classification (germline): Uncertain significance (1 of 4 stars; one submission).

Allele frequency attached by ClinVar (database versions not stated): TOPMed 0.00013; 1000 Genomes Project 30x 0.00016.
gnomAD v4.1: 51 of 1,613,478 alleles (0.0032%); highest among the groups gnomAD compares: Admixed American, 0.057%; no homozygotes.

Submission:

Labcorp Genetics (formerly Invitae), Labcorp
Classification: Uncertain significance. Last evaluated: 2024-06-17. Review status: criteria provided, single submitter. Criteria: Invitae Variant Classification Sherloc (09022015). Collection method: clinical testing. Allele origin: germline.
Comment: This sequence change replaces arginine, which is basic and polar, with tryptophan, which is neutral and slightly polar, at codon 259 of the MRPS2 protein (p.Arg259Trp). This variant is present in population databases (rs772476065, gnomAD 0.03%). This variant has not been reported in the literature in individuals affected with MRPS2-related conditions. ClinVar contains an entry for this variant (Variation ID: 1912768). Advanced modeling of protein sequence and biophysical properties (such as structural, functional, and spatial information, amino acid conservation, physicochemical variation, residue mobility, and thermodynamic stability) performed at Invitae indicates that this missense variant is expected to disrupt MRPS2 protein function with a positive predictive value of 80%. In summary, the available evidence is currently insufficient to determine the role of this variant in disease. Therefore, it has been classified as a Variant of Uncertain Significance.

NM_016034.5(MRPS2):c.775C>T (p.Arg259Trp)

Genes: MRPS2 (mitochondrial ribosomal protein S2; plus strand), LOC101928525 (uncharacterized LOC101928525; minus strand). Cytogenetic location: 9q34.3.
Variant type: single nucleotide variant.
Coding change: c.775C>T on transcript NM_016034.5 (MANE Select); coding-DNA position 775, C replaced by T.
Protein change: p.Arg259Trp; replaces arginine 259 with tryptophan.
Molecular consequence: missense variant. On other transcripts: non-coding transcript variant (4).
Genome position (GRCh38, 1-based): chr9:135,504,017, C>T. VCF-style: chr9-135504017-C-T. GRCh37 (hg19) VCF-style: chr9-138395863-C-T.
Other names: c.775C>T, p.Arg259Trp (NM_001371401.1); short protein forms R259W.
Identifiers: ClinVar variation 1912768 (VCV001912768.5), dbSNP rs772476065, ClinGen allele CA5324024.